The following is an entry in ClinVar:

NM_014425.5(INVS):c.1361A>C (p.Tyr454Ser)

Gene: INVS (inversin; plus strand). Cytogenetic location: 9q31.1.
Variant type: single nucleotide variant.
Coding change: c.1361A>C on transcript NM_014425.5 (MANE Select); coding-DNA position 1361, A replaced by C.
Protein change: p.Tyr454Ser; replaces tyrosine 454 with serine.
Molecular consequence: missense variant. On other transcripts: non-coding transcript variant (1).
Genome position (GRCh38, 1-based): chr9:100,253,033, A>C. VCF-style: chr9-100253033-A-C. GRCh37 (hg19) VCF-style: chr9-103015315-A-C.
Other names: c.1073A>C, p.Tyr358Ser (NM_001318381.2); c.383A>C, p.Tyr128Ser (NM_001318382.2); short protein forms Y128S, Y358S, Y454S.
Identifiers: ClinVar variation 1524869 (VCV001524869.6), dbSNP rs756863097, ClinGen allele CA5158378.

ClinVar aggregate classification (germline): Uncertain significance (1 of 4 stars; one submission).

Conditions:
Nephronophthisis. Also called: Juvenile Nephronophthisis. Identifiers: Orphanet 655, MedGen C0687120, MONDO:0019005, HP:0000090.

Allele frequency attached by ClinVar (database versions not stated): gnomAD exomes below 0.00001; ExAC 0.00001; gnomAD 0.00001; TOPMed 0.00001.
gnomAD v4.1: 2 of 1,613,942 alleles (0.00012%); highest among the groups gnomAD compares: Non-Finnish European, 0.00017%; no homozygotes.

Submission:

Labcorp Genetics (formerly Invitae), Labcorp
Classification: Uncertain significance for Nephronophthisis. Last evaluated: 2022-06-08. Review status: criteria provided, single submitter. Criteria: Invitae Variant Classification Sherloc (09022015). Collection method: clinical testing. Allele origin: germline.
Comment: This sequence change replaces tyrosine, which is neutral and polar, with serine, which is neutral and polar, at codon 454 of the INVS protein (p.Tyr454Ser). This variant is present in population databases (rs756863097, gnomAD 0.0009%). This variant has not been reported in the literature in individuals affected with INVS-related conditions. Algorithms developed to predict the effect of missense changes on protein structure and function are either unavailable or do not agree on the potential impact of this missense change (SIFT: "Deleterious"; PolyPhen-2: "Benign"; Align-GVGD: "Class C0"). In summary, the available evidence is currently insufficient to determine the role of this variant in disease. Therefore, it has been classified as a Variant of Uncertain Significance.